The following is an entry in ClinVar:

ClinVar aggregate classification (germline): Uncertain significance. Review status: criteria provided, single submitter (1 of 4 stars). 2 submissions from 2 submitters: Uncertain significance (1). 1 of the submissions does not count toward it. Last evaluated 2024-06-01.

Conditions:
APOA1-related disorder. Also called: APOA1-related condition.
Hypoalphalipoproteinemia, primary, 2. Also called: HIGH DENSITY LIPOPROTEIN DEFICIENCY; HYPOALPHALIPOPROTEINEMIA, PRIMARY, 2, AUTOSOMAL RECESSIVE. Identifiers: MedGen C5551172, MONDO:0032766, OMIM 618463.
Familial amyloid polyneuropathy, Iowa type (AMYLD3). Also called: AMYLOIDOSIS, HEREDITARY SYSTEMIC 3; AMYLOIDOSIS, IOWA TYPE; AMYLOIDOSIS, VAN ALLEN TYPE; AMYLOIDOSIS, TYPE III; AMYLOIDOSIS, TYPE IV; Familial amyloid polyneuropathy type III. Identifiers: MedGen C4551500, MONDO:0971008, OMIM 620657.
Hypoalphalipoproteinemia, primary, 2, intermediate. Also called: HYPOALPHALIPOPROTEINEMIA, PRIMARY, 2, AUTOSOMAL DOMINANT. Identifiers: MedGen C5677030, MONDO:0859238, OMIM 619836.

Allele frequency attached by ClinVar (database versions not stated): gnomAD 0.00001; TOPMed 0.00001.
gnomAD v4.1: 4 of 1,605,324 alleles (0.00025%); highest among the groups gnomAD compares: East Asian, 0.0022%; no homozygotes.

Submissions (2):

Fulgent Genetics
Classification: Uncertain significance for Hypoalphalipoproteinemia, primary, 2; Hypoalphalipoproteinemia, primary, 2, intermediate; Familial amyloid polyneuropathy, Iowa type. Last evaluated: 2024-06-01. Review status: criteria provided, single submitter. Criteria: ACMG Guidelines, 2015. Collection method: clinical testing. Allele origin: germline.

PreventionGenetics, part of Exact Sciences
Classification: Uncertain significance for APOA1-related condition. Last evaluated: 2024-01-29. Review status: no assertion criteria provided. Collection method: clinical testing. Allele origin: germline. Not counted in ClinVar's aggregate classification.
Comment: The APOA1 c.563C>T variant is predicted to result in the amino acid substitution p.Ala188Val. To our knowledge, this variant has not been reported in the literature. This variant is reported in 0.0029% of alleles in individuals of Latino descent in gnomAD. At this time, the clinical significance of this variant is uncertain due to the absence of conclusive functional and genetic evidence.

NM_000039.3(APOA1):c.563C>T (p.Ala188Val)

Gene: APOA1 (apolipoprotein A1; minus strand). Cytogenetic location: 11q23.3.
Variant type: single nucleotide variant.
Coding change: c.563C>T on transcript NM_000039.3 (MANE Select); coding-DNA position 563, C replaced by T.
Protein change: p.Ala188Val; replaces alanine 188 with valine.
Molecular consequence: missense variant.
Genome position (GRCh38, 1-based): chr11:116,836,049, G>A on the plus strand (C>T on the coding strand, the complement: APOA1 is on the minus strand). VCF-style: chr11-116836049-G-A. GRCh37 (hg19) VCF-style: chr11-116706765-G-A.
Other names: c.563C>T, p.Ala188Val (NM_001318017.2, NM_001318018.2, NM_001425090.1); c.236C>T, p.Ala79Val (NM_001318021.2, NM_001425091.1, NM_001425092.1); c.518C>T, p.Ala173Val (NM_001425093.1); short protein forms A173V, A188V, A79V.
Identifiers: ClinVar variation 3030577 (VCV003030577.3), dbSNP rs902427004, ClinGen allele CA229324129.